The following is an entry in ClinVar:

ClinVar aggregate classification (germline): Uncertain significance (1 of 4 stars; one submission).

Allele frequency attached by ClinVar (database versions not stated): ExAC 0.00002; 1000 Genomes Project 30x 0.00016; 1000 Genomes Project 0.00020.
gnomAD v4.1: 2 of 1,587,562 alleles (0.00013%); highest among the groups gnomAD compares: South Asian, 0.0023%; no homozygotes.

Submission:

Labcorp Genetics (formerly Invitae), Labcorp
Classification: Uncertain significance. Last evaluated: 2024-07-01. Review status: criteria provided, single submitter. Criteria: Invitae Variant Classification Sherloc (09022015). Collection method: clinical testing. Allele origin: germline.
Comment: This sequence change replaces glycine, which is neutral and non-polar, with arginine, which is basic and polar, at codon 28 of the NTHL1 protein (p.Gly28Arg). This variant is present in population databases (rs529997128, gnomAD 0.004%). This variant has not been reported in the literature in individuals affected with NTHL1-related conditions. ClinVar contains an entry for this variant (Variation ID: 935095). Algorithms developed to predict the effect of missense changes on protein structure and function output the following: SIFT: "Not Available"; PolyPhen-2: "Benign"; Align-GVGD: "Not Available". The arginine amino acid residue is found in multiple mammalian species, which suggests that this missense change does not adversely affect protein function. In summary, the available evidence is currently insufficient to determine the role of this variant in disease. Therefore, it has been classified as a Variant of Uncertain Significance.

NM_002528.7(NTHL1):c.58G>C (p.Gly20Arg)

Gene: NTHL1 (nth like DNA glycosylase 1; minus strand). Cytogenetic location: 16p13.3.
Variant type: single nucleotide variant.
Coding change: c.58G>C on transcript NM_002528.7 (MANE Select); coding-DNA position 58, G replaced by C.
Protein change: p.Gly20Arg; replaces glycine 20 with arginine.
Molecular consequence: missense variant. On other transcripts: 5 prime UTR variant (1).
Genome position (GRCh38, 1-based): chr16:2,047,766, C>G on the plus strand (G>C on the coding strand, the complement: NTHL1 is on the minus strand). VCF-style: chr16-2047766-C-G. GRCh37 (hg19) VCF-style: chr16-2097767-C-G.
Other names: c.58G>C, p.Gly20Arg (NM_001318193.2); c.-121G>C (NM_001318194.2); short protein forms G20R.
Identifiers: ClinVar variation 935095 (VCV000935095.10), dbSNP rs529997128, ClinGen allele CA027868.